The following is an entry in ClinVar:

NM_001365925.2(NLGN1):c.835G>T (p.Gly279Ter)

Gene: NLGN1 (neuroligin 1; plus strand). Cytogenetic location: 3q26.31.
Variant type: single nucleotide variant.
Coding change: c.835G>T on transcript NM_001365925.2 (MANE Select); coding-DNA position 835, G replaced by T.
Protein change: p.Gly279Ter; replaces glycine 279 with a stop codon.
Molecular consequence: nonsense.
Genome position (GRCh38, 1-based): chr3:174,275,443, G>T. VCF-style: chr3-174275443-G-T. GRCh37 (hg19) VCF-style: chr3-173993233-G-T.
Other names: c.835G>T, p.Gly279Ter (NM_001365923.2, NM_001365924.2, NM_001365926.2 and 2 more transcripts); c.775G>T, p.Gly259Ter (NM_001365929.2, NM_001365930.2, NM_001365931.2 and 6 more transcripts); short protein forms G259*, G279*.
Identifiers: ClinVar variation 2635378 (VCV002635378.1), dbSNP rs2548762559, ClinGen allele CA355542591.

ClinVar aggregate classification (germline): Uncertain significance (1 of 4 stars; one submission).

Conditions:
NLGN1-related disorder. Also called: NLGN1-related condition.

Submission:

PreventionGenetics, part of Exact Sciences
Classification: Uncertain significance for NLGN1-related condition. Last evaluated: 2022-11-08. Review status: criteria provided, single submitter. Criteria: ACMG Guidelines, 2015. Collection method: clinical testing. Allele origin: germline.
Comment: The NLGN1 c.775G>T variant is predicted to result in premature protein termination (p.Gly259*). To our knowledge, this variant has not been reported in the literature or in a large population database, indicating this variant is rare. Loss-of-function has not been established as a disease mechanism for this gene, and therefore the clinical significance of this variant is currently uncertain due to the absence of conclusive functional and genetic evidence.